The following is an entry in ClinVar:

ClinVar aggregate classification (germline): Pathogenic/Likely pathogenic. Review status: criteria provided, multiple submitters, no conflicts (2 of 4 stars). 2 submissions from 2 submitters: Pathogenic (1); Likely pathogenic (1). Last evaluated 2025-04-02.

Conditions:
Cerebral cavernous malformation (CCM). Also called: Cerebral cavernous hemangioma (type); Cerebral cavernous malformations; CAVERNOUS ANGIOMA, FAMILIAL; CAVERNOUS ANGIOMATOUS MALFORMATIONS; CEREBRAL CAPILLARY MALFORMATIONS; Cavernous Hemangioma of Brain. Identifiers: Orphanet 221061, MedGen C2919945, MONDO:0000820, OMIM 116860, HP:0033522.

Submissions (2):

Mayo Clinic Laboratories, Mayo Clinic
Classification: Likely pathogenic. Last evaluated: 2025-04-02. Review status: criteria provided, single submitter. Criteria: ACMG Guidelines, 2015. Collection method: clinical testing. Allele origin: germline. Observed: 1 variant allele.
Comment: PM2_supporting, PVS1

Labcorp Genetics (formerly Invitae), Labcorp
Classification: Pathogenic for Cerebral cavernous malformation. Last evaluated: 2025-02-19. Review status: criteria provided, single submitter. Criteria: Invitae Variant Classification Sherloc (09022015). Collection method: clinical testing. Allele origin: germline.
Comment: This sequence change creates a premature translational stop signal (p.Leu558Trpfs*4) in the KRIT1 gene. It is expected to result in an absent or disrupted protein product. Loss-of-function variants in KRIT1 are known to be pathogenic (PMID: 10508515, 11222804, 12404106, 24689081). This variant is not present in population databases (gnomAD no frequency). This variant has not been reported in the literature in individuals affected with KRIT1-related conditions. For these reasons, this variant has been classified as Pathogenic.

Literature cited by the submitters: PubMed 10508515 (cited by Mayo Clinic Laboratories, Mayo Clinic and Labcorp Genetics (formerly Invitae), Labcorp); PubMed 11222804 (cited by Mayo Clinic Laboratories, Mayo Clinic and Labcorp Genetics (formerly Invitae), Labcorp); PubMed 12404106 (cited by Mayo Clinic Laboratories, Mayo Clinic and Labcorp Genetics (formerly Invitae), Labcorp); PubMed 24689081 (cited by Mayo Clinic Laboratories, Mayo Clinic and Labcorp Genetics (formerly Invitae), Labcorp).

NM_194454.3(KRIT1):c.1671_1687del (p.Leu558fs)

Gene: KRIT1 (KRIT1 ankyrin repeat containing; minus strand). Cytogenetic location: 7q21.2.
Variant type: Deletion.
Coding change: c.1671_1687del on transcript NM_194454.3 (MANE Select); coding-DNA positions 1671 to 1687, 17 bases deleted (GCTTTTGCAAATAGTCT).
Protein change: p.Leu558fs; shifts the reading frame from leucine 558.
Molecular consequence: frameshift variant.
Genome position (GRCh38, 1-based): chr7:92,214,654-92,214,670, AGACTATTTGCAAAAGC deleted on the plus strand (GCTTTTGCAAATAGTCT on the coding strand, the reverse complement: KRIT1 is on the minus strand); deleting any 17 consecutive bases within chr7:92,214,654-92,214,675 gives the same sequence; the c. name uses the placement nearest the transcript's 3' end. VCF-style (leftmost placement, unchanged base first): chr7-92214653-TAGACTATTTGCAAAAGC-T. GRCh37 (hg19) VCF-style: chr7-91843967-TAGACTATTTGCAAAAGC-T.
Other names: p.Leu558Trpfs*4; c.1527_1543del, p.Leu510fs (NM_001013406.2, NM_001350669.1, NM_001350670.1); c.957_973del, p.Leu320fs (NM_001350671.1); c.1671_1687del, p.Leu558fs (NM_001350672.1, NM_001350673.1, NM_001350674.1 and 26 more transcripts); short protein forms L510fs, L558fs, L320fs.
Identifiers: ClinVar variation 3663833 (VCV003663833.3).